The following is an entry in ClinVar:

ClinVar aggregate classification (germline): Likely benign. Review status: criteria provided, multiple submitters, no conflicts (2 of 4 stars). 3 submissions from 3 submitters: Likely benign (3). Last evaluated 2025-12-19.

Conditions:
AHI1-related disorder. Also called: AHI1-related condition.
Joubert syndrome. Also called: JOUBERT-BOLTSHAUSER SYNDROME; Familial aplasia of the vermis. Identifiers: Orphanet 475, MedGen C5979921, MONDO:0018772.

Allele frequency attached by ClinVar (database versions not stated): ExAC 0.00002; gnomAD exomes 0.00002 and 0.00006; gnomAD 0.00003; ESP Exome Variant Server 0.00008.
gnomAD v4.1: 97 of 1,610,024 alleles (0.006%); highest among the groups gnomAD compares: Non-Finnish European, 0.008%; no homozygotes.

Submissions (3):

Labcorp Genetics (formerly Invitae), Labcorp
Classification: Likely benign for Joubert syndrome. Last evaluated: 2025-12-19. Review status: criteria provided, single submitter. Criteria: Invitae Variant Classification Sherloc (09022015). Collection method: clinical testing. Allele origin: germline.

PreventionGenetics, part of Exact Sciences
Classification: Likely benign for AHI1-related condition. Last evaluated: 2025-10-13. Review status: criteria provided, single submitter. Criteria: ACMG Guidelines, 2015. Collection method: clinical testing. Allele origin: germline.
Comment: This variant is classified as likely benign based on ACMG/AMP sequence variant interpretation guidelines (Richards et al. 2015 PMID: 25741868, with internal and published modifications).

Blueprint Genetics
Classification: Likely benign. Last evaluated: 2024-07-24. Review status: criteria provided, single submitter. Criteria: ACMG Guidelines, 2015. Collection method: clinical testing. Allele origin: germline.

NM_001134831.2(AHI1):c.852A>G (p.Ser284=)

Gene: AHI1 (Abelson helper integration site 1; minus strand). Cytogenetic location: 6q23.3.
Variant type: single nucleotide variant.
Coding change: c.852A>G on transcript NM_001134831.2 (MANE Select); coding-DNA position 852, A replaced by G.
Protein change: p.Ser284=; no amino-acid change (serine 284 retained).
Molecular consequence: synonymous variant.
Genome position (GRCh38, 1-based): chr6:135,463,204, T>C on the plus strand (A>G on the coding strand, the complement: AHI1 is on the minus strand). VCF-style: chr6-135463204-T-C. GRCh37 (hg19) VCF-style: chr6-135784342-T-C.
Other names: c.852A>G (NM_017651.4); c.852A>G, p.Ser284= (NM_001134830.2, NM_001134832.2, NM_001350503.2 and 2 more transcripts).
Identifiers: ClinVar variation 1606136 (VCV001606136.10), dbSNP rs373466889, ClinGen allele CA4012742.